The following is an entry in ClinVar:

NM_182894.3(VSX2):c.651G>A (p.Ala217=)

Gene: VSX2 (visual system homeobox 2; plus strand). Cytogenetic location: 14q24.3.
Variant type: single nucleotide variant.
Coding change: c.651G>A on transcript NM_182894.3 (MANE Select); coding-DNA position 651, G replaced by A.
Protein change: p.Ala217=; no amino-acid change (alanine 217 retained).
Molecular consequence: synonymous variant.
Genome position (GRCh38, 1-based): chr14:74,259,673, G>A. VCF-style: chr14-74259673-G-A. GRCh37 (hg19) VCF-style: chr14-74726376-G-A.
Identifiers: ClinVar variation 743783 (VCV000743783.12), dbSNP rs150792267, ClinGen allele CA7266404.

ClinVar aggregate classification (germline): Likely benign. Review status: criteria provided, single submitter (1 of 4 stars). 3 submissions from 3 submitters: Likely benign (1). 2 of the submissions do not count toward it. Last evaluated 2024-10-31.

Conditions:
VSX2-related disorder. Also called: VSX2-related condition.
Microphthalmia. Also called: Microphthalmos. Identifiers: MedGen C0026010, MONDO:0021129, HP:0000568.
Isolated microphthalmia 2. Identifiers: Orphanet 2542, MedGen C1864720, MONDO:0012409, OMIM 610093.

Allele frequency attached by ClinVar (database versions not stated): gnomAD 0.00008 and 0.00009; TOPMed 0.00007; gnomAD exomes 0.00016 and 0.00005; ESP Exome Variant Server 0.00023; ExAC 0.00005.
gnomAD v4.1: 244 of 1,614,086 alleles (0.015%); highest among the groups gnomAD compares: Non-Finnish European, 0.02%; no homozygotes.

Submissions (3):

Labcorp Genetics (formerly Invitae), Labcorp
Classification: Likely benign for Isolated microphthalmia 2. Last evaluated: 2024-10-31. Review status: criteria provided, single submitter. Criteria: Invitae Variant Classification Sherloc (09022015). Collection method: clinical testing. Allele origin: germline.

PreventionGenetics, part of Exact Sciences
Classification: Likely benign for VSX2-related condition. Last evaluated: 2024-06-25. Review status: no assertion criteria provided. Collection method: clinical testing. Allele origin: germline. Not counted in ClinVar's aggregate classification.
Comment: This variant is classified as likely benign based on ACMG/AMP sequence variant interpretation guidelines (Richards et al. 2015 PMID: 25741868, with internal and published modifications).

Natera, Inc.
Classification: Uncertain significance for Microphthalmia. Last evaluated: 2020-04-17. Review status: no assertion criteria provided. Collection method: clinical testing. Allele origin: germline. Not counted in ClinVar's aggregate classification.